The following is an entry in ClinVar:

ClinVar aggregate classification (germline): Uncertain significance. Review status: criteria provided, multiple submitters, no conflicts (2 of 4 stars). 4 submissions from 4 submitters: Uncertain significance (4). Last evaluated 2025-01-06.

Conditions:
Primary ciliary dyskinesia. Also called: Ciliary dyskinesia. Identifiers: Orphanet 244, MedGen C0008780, MONDO:0016575, HP:0012265.
Primary ciliary dyskinesia 18. Also called: CILIARY DYSKINESIA, PRIMARY, 18, WITH OR WITHOUT SITUS INVERSUS. Identifiers: Orphanet 244, MedGen C3543825, MONDO:0013940, OMIM 614874.

Allele frequency attached by ClinVar (database versions not stated): gnomAD 0.00001; TOPMed 0.00001; gnomAD exomes 0.00002.
gnomAD v4.1: 28 of 1,340,958 alleles (0.0021%); highest among the groups gnomAD compares: Admixed American, 0.0032%; 1 homozygote.

Submissions (4):

Labcorp Genetics (formerly Invitae), Labcorp
Classification: Uncertain significance for Primary ciliary dyskinesia. Last evaluated: 2025-01-06. Review status: criteria provided, single submitter. Criteria: Invitae Variant Classification Sherloc (09022015). Collection method: clinical testing. Allele origin: germline.
Comment: This sequence change replaces tryptophan, which is neutral and slightly polar, with serine, which is neutral and polar, at codon 73 of the DNAAF5 protein (p.Trp73Ser). This variant is not present in population databases (gnomAD no frequency). This variant has not been reported in the literature in individuals affected with DNAAF5-related conditions. ClinVar contains an entry for this variant (Variation ID: 1787401). Invitae Evidence Modeling of protein sequence and biophysical properties (such as structural, functional, and spatial information, amino acid conservation, physicochemical variation, residue mobility, and thermodynamic stability) indicates that this missense variant is not expected to disrupt DNAAF5 protein function with a negative predictive value of 80%. In summary, the available evidence is currently insufficient to determine the role of this variant in disease. Therefore, it has been classified as a Variant of Uncertain Significance.

Blueprint Genetics
Classification: Uncertain significance. Last evaluated: 2024-03-05. Review status: criteria provided, single submitter. Criteria: ACMG Guidelines, 2015. Collection method: clinical testing. Allele origin: germline.

Baylor Genetics
Classification: Uncertain significance for Primary ciliary dyskinesia 18. Last evaluated: 2023-09-28. Review status: criteria provided, single submitter. Criteria: ACMG Guidelines, 2015. Collection method: clinical testing. Allele origin: unknown.

Ambry Genetics
Classification: Uncertain significance for Primary ciliary dyskinesia. Last evaluated: 2018-05-17. Review status: criteria provided, single submitter. Criteria: Ambry Variant Classification Scheme 2023. Collection method: clinical testing. Allele origin: germline.
Comment: The p.W73S variant (also known as c.218G>C), located in coding exon 1 of the DNAAF5 gene, results from a G to C substitution at nucleotide position 218. The tryptophan at codon 73 is replaced by serine, an amino acid with highly dissimilar properties. This amino acid position is not well conserved in available vertebrate species. In addition, this alteration is predicted to be tolerated by in silico analysis. Since supporting evidence is limited at this time, the clinical significance of this alteration remains unclear.

NM_017802.4(DNAAF5):c.218G>C (p.Trp73Ser)

Genes: DNAAF5 (dynein axonemal assembly factor 5; plus strand), PRKAR1B (protein kinase cAMP-dependent type I regulatory subunit beta; minus strand), LOC129997730 (ATAC-STARR-seq lymphoblastoid silent region 17816; plus strand). Cytogenetic location: 7p22.3.
Variant type: single nucleotide variant.
Coding change: c.218G>C on transcript NM_017802.4 (MANE Select); coding-DNA position 218, G replaced by C.
Protein change: p.Trp73Ser; replaces tryptophan 73 with serine.
Molecular consequence: missense variant. On other transcripts: non-coding transcript variant (1), intron variant (3).
Genome position (GRCh38, 1-based): chr7:726,938, G>C. VCF-style: chr7-726938-G-C. GRCh37 (hg19) VCF-style: chr7-766575-G-C.
Other names: c.-23+717C>G (NM_001164759.1); c.-23+652C>G (NM_001164758.2); c.-23+272C>G (NM_001164760.2); short protein forms W73S.
Identifiers: ClinVar variation 1787401 (VCV001787401.8), dbSNP rs915848808, ClinGen allele CA152333394.